The following is an entry in ClinVar:

ClinVar aggregate classification (germline): Uncertain significance (1 of 4 stars; one submission).

Conditions:
Charcot-Marie-Tooth disease dominant intermediate C (CMTDIC). Also called: CHARCOT-MARIE-TOOTH NEUROPATHY, DOMINANT INTERMEDIATE C. Identifiers: Orphanet 100045, MedGen C1842237, MONDO:0012012, OMIM 608323.

Allele frequency attached by ClinVar (database versions not stated): gnomAD 0.00001; TOPMed 0.00001.
gnomAD v4.1: 5 of 1,613,828 alleles (0.00031%); highest among the groups gnomAD compares: Admixed American, 0.0067%; no homozygotes.

Submission:

Labcorp Genetics (formerly Invitae), Labcorp
Classification: Uncertain significance for Charcot-Marie-Tooth disease dominant intermediate C. Last evaluated: 2023-11-14. Review status: criteria provided, single submitter. Criteria: Invitae Variant Classification Sherloc (09022015). Collection method: clinical testing. Allele origin: germline.
Comment: This sequence change replaces glutamic acid, which is acidic and polar, with glutamine, which is neutral and polar, at codon 274 of the YARS protein (p.Glu274Gln). This variant also falls at the last nucleotide of exon 7, which is part of the consensus splice site for this exon. This variant is present in population databases (rs758897498, gnomAD 0.006%). This variant has not been reported in the literature in individuals affected with YARS-related conditions. An algorithm developed to predict the effect of missense changes on protein structure and function (PolyPhen-2) suggests that this variant is likely to be tolerated. Variants that disrupt the consensus splice site are a relatively common cause of aberrant splicing (PMID: 17576681, 9536098). Algorithms developed to predict the effect of sequence changes on RNA splicing suggest that this variant may disrupt the consensus splice site. In summary, the available evidence is currently insufficient to determine the role of this variant in disease. Therefore, it has been classified as a Variant of Uncertain Significance.

Literature cited by the submitters: PubMed 17576681; PubMed 9536098.

NM_003680.4(YARS1):c.820G>C (p.Glu274Gln)

Genes: YARS1 (tyrosyl-tRNA synthetase 1; minus strand), LOC126805688 (BRD4-independent group 4 enhancer GRCh37_chr1:33251929-33253128; plus strand). Cytogenetic location: 1p35.1.
Variant type: single nucleotide variant.
Coding change: c.820G>C on transcript NM_003680.4 (MANE Select); coding-DNA position 820, G replaced by C.
Protein change: p.Glu274Gln; replaces glutamic acid 274 with glutamine.
Molecular consequence: missense variant.
Genome position (GRCh38, 1-based): chr1:32,786,940, C>G on the plus strand (G>C on the coding strand, the complement: YARS1 is on the minus strand). VCF-style: chr1-32786940-C-G. GRCh37 (hg19) VCF-style: chr1-33252541-C-G.
Other names: short protein forms E274Q.
Identifiers: ClinVar variation 2722829 (VCV002722829.3), dbSNP rs758897498, ClinGen allele CA745105.